The following is an entry in ClinVar:

NM_000059.4(BRCA2):c.1267A>T (p.Ile423Phe)

Gene: BRCA2 (BRCA2 DNA repair associated; plus strand). Cytogenetic location: 13q13.1.
Variant type: single nucleotide variant.
Coding change: c.1267A>T on transcript NM_000059.4 (MANE Select); coding-DNA position 1267, A replaced by T.
Protein change: p.Ile423Phe; replaces isoleucine 423 with phenylalanine.
Molecular consequence: missense variant. On other transcripts: non-coding transcript variant (1), intron variant (1).
Genome position (GRCh38, 1-based): chr13:32,332,745, A>T. VCF-style: chr13-32332745-A-T. GRCh37 (hg19) VCF-style: chr13-32906882-A-T.
Other names: c.1267A>T, p.Ile423Phe (NM_001406719.1, NM_001406720.1, NM_001406721.1); c.424+1715A>T (NM_001406722.1); short protein forms I423F.
Identifiers: ClinVar variation 2692723 (VCV002692723.4), dbSNP rs1555281802, ClinGen allele CA387762361.

ClinVar aggregate classification (germline): Uncertain significance. Review status: criteria provided, multiple submitters, no conflicts (2 of 4 stars). 2 submissions from 2 submitters: Uncertain significance (2). Last evaluated 2025-01-03.

Conditions:
Hereditary cancer-predisposing syndrome. Also called: Neoplastic Syndromes, Hereditary; Hereditary Cancer Syndrome; Tumor predisposition; Hereditary neoplastic syndrome. Identifiers: Orphanet 140162, MedGen C0027672, MeSH D009386, MONDO:0015356.
Hereditary breast ovarian cancer syndrome. Also called: Hereditary breast and ovarian cancer syndrome (HBOC); Breast and ovarian cancer; Hereditary breast and ovarian cancer; Hereditary breast and ovarian cancer syndrome; BRCA1- and BRCA2-Associated Hereditary Breast and Ovarian Cancer; Hereditary breast and/or ovarian cancer syndrome. Identifiers: Orphanet 145, MedGen C0677776, MeSH D061325, MONDO:0003582. Disease mechanism: loss of function.

Submissions (2):

Ambry Genetics
Classification: Uncertain significance for Hereditary cancer-predisposing syndrome. Last evaluated: 2025-01-03. Review status: criteria provided, single submitter. Criteria: Ambry Variant Classification Scheme 2023. Collection method: clinical testing. Allele origin: germline.
Comment: The p.I423F variant (also known as c.1267A>T), located in coding exon 9 of the BRCA2 gene, results from an A to T substitution at nucleotide position 1267. The isoleucine at codon 423 is replaced by phenylalanine, an amino acid with highly similar properties. This amino acid position is conserved. In addition, this alteration is predicted to be tolerated by in silico analysis. Based on the available evidence, the clinical significance of this variant remains unclear.

Labcorp Genetics (formerly Invitae), Labcorp
Classification: Uncertain significance for Hereditary breast ovarian cancer syndrome. Last evaluated: 2023-11-02. Review status: criteria provided, single submitter. Criteria: Invitae Variant Classification Sherloc (09022015). Collection method: clinical testing. Allele origin: germline.
Comment: This sequence change replaces isoleucine, which is neutral and non-polar, with phenylalanine, which is neutral and non-polar, at codon 423 of the BRCA2 protein (p.Ile423Phe). This variant is not present in population databases (gnomAD no frequency). This variant has not been reported in the literature in individuals affected with BRCA2-related conditions. Advanced modeling of protein sequence and biophysical properties (such as structural, functional, and spatial information, amino acid conservation, physicochemical variation, residue mobility, and thermodynamic stability) performed at Invitae indicates that this missense variant is not expected to disrupt BRCA2 protein function with a negative predictive value of 95%. In summary, the available evidence is currently insufficient to determine the role of this variant in disease. Therefore, it has been classified as a Variant of Uncertain Significance.